The following is an entry in ClinVar:

ClinVar aggregate classification (germline): Uncertain significance (1 of 4 stars; one submission).

Submission:

GeneDx
Classification: Uncertain significance. Last evaluated: 2023-11-08. Review status: criteria provided, single submitter. Criteria: GeneDx Variant Classification Process June 2021. Collection method: clinical testing. Allele origin: germline. Affected: yes.
Comment: Not observed at significant frequency in large population cohorts (gnomAD); In silico analysis supports that this missense variant does not alter protein structure/function; Has not been previously published as pathogenic or benign to our knowledge

NM_014425.5(INVS):c.2495G>A (p.Arg832Lys)

Gene: INVS (inversin; plus strand). Cytogenetic location: 9q31.1.
Variant type: single nucleotide variant.
Coding change: c.2495G>A on transcript NM_014425.5 (MANE Select); coding-DNA position 2495, G replaced by A.
Protein change: p.Arg832Lys; replaces arginine 832 with lysine.
Molecular consequence: missense variant. On other transcripts: non-coding transcript variant (1).
Genome position (GRCh38, 1-based): chr9:100,292,752, G>A. VCF-style: chr9-100292752-G-A. GRCh37 (hg19) VCF-style: chr9-103055034-G-A.
Other names: c.2207G>A, p.Arg736Lys (NM_001318381.2); c.1517G>A, p.Arg506Lys (NM_001318382.2); short protein forms R506K, R736K, R832K.
Identifiers: ClinVar variation 3363798 (VCV003363798.1).